The following is an entry in ClinVar:

ClinVar aggregate classification (germline): Uncertain significance. Review status: criteria provided, multiple submitters, no conflicts (2 of 4 stars). 2 submissions from 2 submitters: Uncertain significance (2). Last evaluated 2025-11-12.

Conditions:
Brachyolmia-amelogenesis imperfecta syndrome. Also called: Tooth agenesis, selective, 6; Dental anomalies and short stature; PLATYSPONDYLY WITH AMELOGENESIS IMPERFECTA. Identifiers: Orphanet 2899, MedGen C1832594, MONDO:0011018, OMIM 601216. Disease mechanism: loss of function.
Inborn genetic diseases. Identifiers: MedGen C0950123, MeSH D030342.

Allele frequency attached by ClinVar (database versions not stated): gnomAD exomes below 0.00001; TOPMed below 0.00001; gnomAD 0.00001.
gnomAD v4.1: 5 of 1,550,670 alleles (0.00032%); highest among the groups gnomAD compares: East Asian, 0.0024%; no homozygotes.

Submissions (2):

Labcorp Genetics (formerly Invitae), Labcorp
Classification: Uncertain significance for Brachyolmia-amelogenesis imperfecta syndrome. Last evaluated: 2025-11-12. Review status: criteria provided, single submitter. Criteria: Invitae Variant Classification Sherloc (09022015). Collection method: clinical testing. Allele origin: germline.
Comment: This sequence change replaces methionine, which is neutral and non-polar, with threonine, which is neutral and polar, at codon 551 of the LTBP3 protein (p.Met551Thr). This variant is not present in population databases (gnomAD no frequency). This variant has not been reported in the literature in individuals affected with LTBP3-related conditions. ClinVar contains an entry for this variant (Variation ID: 3121445). An algorithm developed to predict the effect of missense changes on protein structure and function (PolyPhen-2) suggests that this variant is likely to be tolerated. In summary, the available evidence is currently insufficient to determine the role of this variant in disease. Therefore, it has been classified as a Variant of Uncertain Significance.

Ambry Genetics
Classification: Uncertain significance for Inborn genetic diseases. Last evaluated: 2023-12-18. Review status: criteria provided, single submitter. Criteria: Ambry Variant Classification Scheme 2023. Collection method: clinical testing. Allele origin: germline.

NM_001130144.3(LTBP3):c.1652T>C (p.Met551Thr)

Gene: LTBP3 (latent transforming growth factor beta binding protein 3; minus strand). Cytogenetic location: 11q13.1.
Variant type: single nucleotide variant.
Coding change: c.1652T>C on transcript NM_001130144.3 (MANE Select); coding-DNA position 1652, T replaced by C.
Protein change: p.Met551Thr; replaces methionine 551 with threonine.
Molecular consequence: missense variant.
Genome position (GRCh38, 1-based): chr11:65,551,194, A>G on the plus strand (T>C on the coding strand, the complement: LTBP3 is on the minus strand). VCF-style: chr11-65551194-A-G. GRCh37 (hg19) VCF-style: chr11-65318665-A-G.
Other names: c.1301T>C, p.Met434Thr (NM_001164266.1); c.1652T>C, p.Met551Thr (NM_021070.4); short protein forms M434T, M551T.
Identifiers: ClinVar variation 3121445 (VCV003121445.2), dbSNP rs1590780914, ClinGen allele CA381272760.
Genomic context (GRCh38, chr11:65,551,194, plus strand): 5'-TGAGTGGGAGCGATCTCTACGGCGCTGCGGGAAGGAGGCAAGTCCGGCAGGAACCAGCGC[A>G]TGGTCGGGGGCGAGGGACGGGAGATCAGCTCTGCGGGCGGCAGTGCACTCTGGTCAGAGA-3'
Protein context (NP_001123616.1, residues 541-561): ELISRPSPPT[Met551Thr]RWFLPDLPPS